The following is an entry in ClinVar:

NM_001354604.2(MITF):c.1154A>G (p.Asn385Ser)

Gene: MITF (melanocyte inducing transcription factor; plus strand). Cytogenetic location: 3p13.
Variant type: single nucleotide variant.
Coding change: c.1154A>G on transcript NM_001354604.2 (MANE Select); coding-DNA position 1154, A replaced by G.
Protein change: p.Asn385Ser; replaces asparagine 385 with serine.
Molecular consequence: missense variant.
Genome position (GRCh38, 1-based): chr3:69,959,395, A>G. VCF-style: chr3-69959395-A-G. GRCh37 (hg19) VCF-style: chr3-70008546-A-G.
Other names: c.833A>G, p.Asn278Ser (NM_000248.4); c.980A>G, p.Asn327Ser (NM_001184967.2, NM_001354608.2); c.1151A>G, p.Asn384Ser (NM_001354605.2); c.1133A>G, p.Asn378Ser (NM_001354606.2, NM_006722.3); c.1085A>G, p.Asn362Ser (NM_001354607.2); c.815A>G, p.Asn272Ser (NM_198158.3); c.1136A>G, p.Asn379Ser (NM_198159.3); c.1088A>G, p.Asn363Ser (NM_198177.3); and 1 more; short protein forms N278S, N272S, N363S, N378S, N384S, N385S, N362S, N379S.
Identifiers: ClinVar variation 451477 (VCV000451477.15), dbSNP rs368915509, ClinGen allele CA2490582.

ClinVar aggregate classification (germline): Conflicting classifications of pathogenicity. Review status: criteria provided, conflicting classifications (1 of 4 stars). 4 submissions from 3 submitters: Uncertain significance (2); Likely benign (2). Last evaluated 2025-12-22.

Conditions:
Waardenburg syndrome type 2A (WS2A). Also called: WAARDENBURG SYNDROME WITHOUT DYSTOPIA CANTHORUM. Identifiers: Orphanet 3440, MedGen C1860339, MONDO:0008671, OMIM 193510.
Tietz syndrome (TADS). Also called: TIETZ ALBINISM-DEAFNESS SYNDROME; HYPOPIGMENTATION/DEAFNESS OF TIETZ; ALBINISM-DEAFNESS OF TIETZ. Identifiers: Orphanet 42665, MedGen C0391816, MONDO:0007077, OMIM 103500.
Melanoma, cutaneous malignant, susceptibility to, 8. Also called: MELANOMA AND RENAL CELL CARCINOMA, SUSCEPTIBILITY TO; Cutaneous malignant melanoma 8. Identifiers: Orphanet 293822, MedGen C3152204, MONDO:0013759, OMIM 614456.

Allele frequency attached by ClinVar (database versions not stated): ExAC 0.00003; gnomAD exomes 0.00003 and 0.00008; gnomAD 0.00007 and 0.00008; ESP Exome Variant Server 0.00008; TOPMed 0.00011.
gnomAD v4.1: 122 of 1,613,810 alleles (0.0076%); highest among the groups gnomAD compares: Non-Finnish European, 0.0097%; no homozygotes.

Submissions (4):

Labcorp Genetics (formerly Invitae), Labcorp
Classification: Uncertain significance for Melanoma, cutaneous malignant, susceptibility to, 8; Waardenburg syndrome type 2A; Tietz syndrome. Last evaluated: 2025-12-22. Review status: criteria provided, single submitter. Criteria: Invitae Variant Classification Sherloc (09022015). Collection method: clinical testing. Allele origin: germline.
Comment: This sequence change replaces asparagine, which is neutral and polar, with serine, which is neutral and polar, at codon 278 of the MITF protein (p.Asn278Ser). This variant is present in population databases (rs368915509, gnomAD 0.006%). This variant has not been reported in the literature in individuals affected with MITF-related conditions. ClinVar contains an entry for this variant (Variation ID: 451477). Invitae Evidence Modeling of protein sequence and biophysical properties (such as structural, functional, and spatial information, amino acid conservation, physicochemical variation, residue mobility, and thermodynamic stability) indicates that this missense variant is expected to disrupt MITF protein function with a positive predictive value of 80%. In summary, the available evidence is currently insufficient to determine the role of this variant in disease. Therefore, it has been classified as a Variant of Uncertain Significance.

GeneDx
Classification: Uncertain significance. Last evaluated: 2024-11-05. Review status: criteria provided, single submitter. Criteria: GeneDx Variant Classification Process June 2021. Collection method: clinical testing. Allele origin: germline. Affected: yes.
Comment: In silico analysis supports that this missense variant has a deleterious effect on protein structure/function; Observed in individuals with Hodgkin Lymphoma or soft tissue sarcoma (PMID: 34308104); This variant is associated with the following publications: (PMID: 31589614, 34308104)

Illumina Laboratory Services, Illumina
Classification: Likely benign for Waardenburg syndrome type 2A. Last evaluated: 2018-01-12. Review status: criteria provided, single submitter. Criteria: ICSL Variant Classification Criteria 13 December 2019. Collection method: clinical testing. Allele origin: germline.
Comment: This variant was observed in the ICSL laboratory as part of a predisposition screen in an ostensibly healthy population. It had not been previously curated by ICSL or reported in the Human Gene Mutation Database (HGMD: prior to June 1st, 2018), and was therefore a candidate for classification through an automated scoring system. Utilizing variant allele frequency, disease prevalence and penetrance estimates, and inheritance mode, an automated score was calculated to assess if this variant is too frequent to cause the disease. Based on the score and internal cut-off values, a variant classified as likely benign is not then subjected to further curation. The score for this variant resulted in a classification of likely benign for this disease.

Illumina Laboratory Services, Illumina
Classification: Likely benign for Tietz syndrome. Last evaluated: 2018-01-12. Review status: criteria provided, single submitter. Criteria: ICSL Variant Classification Criteria 13 December 2019. Collection method: clinical testing. Allele origin: germline.
Comment: the same text as in the submission from Illumina Laboratory Services, Illumina above.